The following is an entry in ClinVar:

ClinVar aggregate classification (germline): Uncertain significance (1 of 4 stars; one submission).

Conditions:
RABL3-related disorder. Also called: RABL3-related condition.

Allele frequency attached by ClinVar (database versions not stated): gnomAD exomes below 0.00001; TOPMed 0.00001.
gnomAD v4.1: 1 of 1,611,282 alleles (0.000062%); highest among the groups gnomAD compares: African/African-American, 0.0013%; no homozygotes.

Submission:

PreventionGenetics, part of Exact Sciences
Classification: Uncertain significance for RABL3-related condition. Last evaluated: 2023-04-25. Review status: criteria provided, single submitter. Criteria: ACMG Guidelines, 2015. Collection method: clinical testing. Allele origin: germline.
Comment: The RABL3 c.293C>T variant is predicted to result in the amino acid substitution p.Thr98Ile. To our knowledge, this variant has not been reported in the literature or in a large population database, indicating this variant is rare. At this time, the clinical significance of this variant is uncertain due to the absence of conclusive functional and genetic evidence.

NM_173825.5(RABL3):c.293C>T (p.Thr98Ile)

Gene: RABL3 (RAB, member of RAS oncogene family like 3; minus strand). Cytogenetic location: 3q13.33.
Variant type: single nucleotide variant.
Coding change: c.293C>T on transcript NM_173825.5 (MANE Select); coding-DNA position 293, C replaced by T.
Protein change: p.Thr98Ile; replaces threonine 98 with isoleucine.
Molecular consequence: missense variant. On other transcripts: non-coding transcript variant (1).
Genome position (GRCh38, 1-based): chr3:120,706,090, G>A on the plus strand (C>T on the coding strand, the complement: RABL3 is on the minus strand). VCF-style: chr3-120706090-G-A. GRCh37 (hg19) VCF-style: chr3-120424937-G-A.
Other names: c.293C>T, p.Thr98Ile (NM_001363964.1, NM_001363965.1); short protein forms T98I.
Identifiers: ClinVar variation 2632813 (VCV002632813.1), dbSNP rs1407294444, ClinGen allele CA354074753.